The following is an entry in ClinVar:

NM_025146.4(NAA50):c.231A>G (p.Leu77=)

Gene: NAA50 (N-alpha-acetyltransferase 50, NatE catalytic subunit; minus strand). Cytogenetic location: 3q13.31.
Variant type: single nucleotide variant.
Coding change: c.231A>G on transcript NM_025146.4 (MANE Select); coding-DNA position 231, A replaced by G.
Protein change: p.Leu77=; no amino-acid change (leucine 77 retained).
Molecular consequence: synonymous variant.
Genome position (GRCh38, 1-based): chr3:113,723,456, T>C on the plus strand (A>G on the coding strand, the complement: NAA50 is on the minus strand). VCF-style: chr3-113723456-T-C. GRCh37 (hg19) VCF-style: chr3-113442303-T-C.
Other names: c.228A>G, p.Leu76= (NM_001308445.2).
Identifiers: ClinVar variation 3041325 (VCV003041325.2), dbSNP rs34769551, ClinGen allele CA2547639.

ClinVar aggregate classification (germline): Benign (0 of 4 stars; one submission).

Conditions:
NAA50-related disorder. Also called: NAA50-related condition.

Allele frequency attached by ClinVar (database versions not stated): 1000 Genomes Project 30x 0.00453; 1000 Genomes Project 0.00479; TOPMed 0.00691; gnomAD 0.00716; ExAC 0.00787; ESP Exome Variant Server 0.00900; gnomAD exomes 0.01107.
gnomAD v4.1: 17,063 of 1,612,782 alleles (1.1%); highest among the groups gnomAD compares: Non-Finnish European, 1.3%; 116 homozygotes.

Submission:

PreventionGenetics, part of Exact Sciences
Classification: Benign for NAA50-related condition. Last evaluated: 2019-11-26. Review status: no assertion criteria provided. Collection method: clinical testing. Allele origin: germline.
Comment: This variant is classified as benign based on ACMG/AMP sequence variant interpretation guidelines (Richards et al. 2015 PMID: 25741868, with internal and published modifications).